The following is an entry in ClinVar:

NM_001330288.2(SMARCC2):c.432G>T (p.Leu144=)

Gene: SMARCC2 (SWI/SNF related BAF chromatin remodeling complex subunit C2; minus strand). Cytogenetic location: 12q13.2.
Variant type: single nucleotide variant.
Coding change: c.432G>T on transcript NM_001330288.2 (MANE Select); coding-DNA position 432, G replaced by T.
Protein change: p.Leu144=; no amino-acid change (leucine 144 retained).
Molecular consequence: synonymous variant.
Genome position (GRCh38, 1-based): chr12:56,184,904, C>A on the plus strand (G>T on the coding strand, the complement: SMARCC2 is on the minus strand). VCF-style: chr12-56184904-C-A. GRCh37 (hg19) VCF-style: chr12-56578688-C-A.
Other names: c.432G>T, p.Leu144= (NM_001130420.3, NM_003075.5, NM_139067.4).
Identifiers: ClinVar variation 3341900 (VCV003341900.16).

ClinVar aggregate classification (germline): Likely benign (1 of 4 stars; one submission).

gnomAD v4.1: 4 of 1,612,896 alleles (0.00025%); highest among the groups gnomAD compares: Non-Finnish European, 0.00034%; no homozygotes.

Submission:

CeGaT Center for Human Genetics Tuebingen
Classification: Likely benign. Last evaluated: 2024-08-01. Review status: criteria provided, single submitter. Criteria: CeGaT Center For Human Genetics Tuebingen Variant Classification Criteria Version 2. Collection method: clinical testing. Allele origin: germline. Affected: yes. Observed: 1 variant allele.
Comment: SMARCC2: BP4, BP7